The following is an entry in ClinVar:

NM_198253.3(TERT):c.2750C>T (p.Thr917Met)

Gene: TERT (telomerase reverse transcriptase; minus strand). Cytogenetic location: 5p15.33.
Variant type: single nucleotide variant.
Coding change: c.2750C>T on transcript NM_198253.3 (MANE Select); coding-DNA position 2750, C replaced by T.
Protein change: p.Thr917Met; replaces threonine 917 with methionine.
Molecular consequence: missense variant. On other transcripts: intron variant (1).
Genome position (GRCh38, 1-based): chr5:1,264,497, G>A on the plus strand (C>T on the coding strand, the complement: TERT is on the minus strand). VCF-style: chr5-1264497-G-A. GRCh37 (hg19) VCF-style: chr5-1264612-G-A.
Other names: c.2654+1967C>T (NM_001193376.3); short protein forms T917M.
Identifiers: ClinVar variation 857994 (VCV000857994.12), dbSNP rs779102560, ClinGen allele CA3184404.

ClinVar aggregate classification (germline): Conflicting classifications of pathogenicity. Review status: criteria provided, conflicting classifications (1 of 4 stars). 3 submissions from 3 submitters: Uncertain significance (2); Likely benign (1). Last evaluated 2026-02-17.

Conditions:
Dyskeratosis congenita, autosomal dominant 2. Identifiers: MedGen C3151443, MONDO:0013521, OMIM 613989.
Idiopathic Pulmonary Fibrosis. Also called: Idiopathic fibrosing alveolitis, chronic form; idiopathic fibrosing alveolitis. Identifiers: Orphanet 2032, MedGen C1800706, MeSH D054990, MONDO:0800504.
Dyskeratosis congenita. Identifiers: Orphanet 1775, MedGen C0265965, MONDO:0015780.

Allele frequency attached by ClinVar (database versions not stated): gnomAD exomes 0.00001 and 0.00002; ExAC 0.00002; gnomAD 0.00004 and 0.00003; TOPMed 0.00006.
gnomAD v4.1: 30 of 1,613,856 alleles (0.0019%); highest among the groups gnomAD compares: African/African-American, 0.012%; no homozygotes.

Submissions (3):

Ambry Genetics
Classification: Uncertain significance for Dyskeratosis congenita. Last evaluated: 2026-02-17. Review status: criteria provided, single submitter. Criteria: Ambry Variant Classification Scheme 2023. Collection method: clinical testing. Allele origin: germline.
Comment: The p.T917M variant (also known as c.2750C>T), located in coding exon 11 of the TERT gene, results from a C to T substitution at nucleotide position 2750. The threonine at codon 917 is replaced by methionine, an amino acid with similar properties. The variant was observed in an individual with myelodysplastic syndrome (MDS) and was observed to have an intermediate impact on telomere elongation capacity by a functional assay (Reilly CR et al. Blood, 2021 Sep;138:898-911). (Reilly CR et al. Blood, 2021 Sep;138:898-911). This amino acid position is poorly conserved in available vertebrate species. In addition, this alteration is predicted to be tolerated by in silico analysis. Based on the available evidence, the clinical significance of this variant remains unclear.

Labcorp Genetics (formerly Invitae), Labcorp
Classification: Likely benign for Dyskeratosis congenita, autosomal dominant 2; Idiopathic Pulmonary Fibrosis. Last evaluated: 2025-08-11. Review status: criteria provided, single submitter. Criteria: Invitae Variant Classification Sherloc (09022015). Collection method: clinical testing. Allele origin: germline.

GeneDx
Classification: Uncertain significance. Last evaluated: 2024-12-27. Review status: criteria provided, single submitter. Criteria: GeneDx Variant Classification Process June 2021. Collection method: clinical testing. Allele origin: germline.
Comment: In silico analysis indicates that this missense variant does not alter protein structure/function; Published functional studies demonstrate intermediate ability to elongate telomeres (PMID: 34019641); Observed in an individual with myelodysplastic syndrome; however, germline status was not confirmed (PMID: 34019641); This variant is associated with the following publications: (PMID: 34019641)

Literature cited by the submitters: PubMed 34019641 (cited by Ambry Genetics).